The following is an entry in ClinVar:

ClinVar aggregate classification (germline): Uncertain significance (1 of 4 stars; one submission).

Conditions:
Perlman syndrome (PRLMNS). Identifiers: Orphanet 2849, MedGen C0796113, MONDO:0009965, OMIM 267000.

Submission:

Labcorp Genetics (formerly Invitae), Labcorp
Classification: Uncertain significance for Perlman syndrome. Last evaluated: 2023-10-04. Review status: criteria provided, single submitter. Criteria: Invitae Variant Classification Sherloc (09022015). Collection method: clinical testing. Allele origin: germline.
Comment: This sequence change replaces aspartic acid, which is acidic and polar, with asparagine, which is neutral and polar, at codon 346 of the DIS3L2 protein (p.Asp346Asn). This variant is not present in population databases (gnomAD no frequency). This variant has not been reported in the literature in individuals affected with DIS3L2-related conditions. ClinVar contains an entry for this variant (Variation ID: 2060509). Advanced modeling of protein sequence and biophysical properties (such as structural, functional, and spatial information, amino acid conservation, physicochemical variation, residue mobility, and thermodynamic stability) performed at Invitae indicates that this missense variant is not expected to disrupt DIS3L2 protein function. In summary, the available evidence is currently insufficient to determine the role of this variant in disease. Therefore, it has been classified as a Variant of Uncertain Significance.

NM_152383.5(DIS3L2):c.1036G>A (p.Asp346Asn)

Gene: DIS3L2 (DIS3 like 3'-5' exoribonuclease 2; plus strand). Cytogenetic location: 2q37.1.
Variant type: single nucleotide variant.
Coding change: c.1036G>A on transcript NM_152383.5 (MANE Select); coding-DNA position 1036, G replaced by A.
Protein change: p.Asp346Asn; replaces aspartic acid 346 with asparagine.
Molecular consequence: missense variant. On other transcripts: non-coding transcript variant (2).
Genome position (GRCh38, 1-based): chr2:232,163,544, G>A. VCF-style: chr2-232163544-G-A. GRCh37 (hg19) VCF-style: chr2-233028254-G-A.
Other names: c.1036G>A, p.Asp346Asn (NM_001257281.2); short protein forms D346N.
Identifiers: ClinVar variation 2060509 (VCV002060509.4), dbSNP rs2469895655, ClinGen allele CA351154338.